The following is an entry in ClinVar:

NM_032444.4(SLX4):c.2305G>C (p.Glu769Gln)

Gene: SLX4 (SLX4 structure-specific endonuclease subunit; minus strand). Cytogenetic location: 16p13.3.
Variant type: single nucleotide variant.
Coding change: c.2305G>C on transcript NM_032444.4 (MANE Select); coding-DNA position 2305, G replaced by C.
Protein change: p.Glu769Gln; replaces glutamic acid 769 with glutamine.
Molecular consequence: missense variant.
Genome position (GRCh38, 1-based): chr16:3,592,721, C>G on the plus strand (G>C on the coding strand, the complement: SLX4 is on the minus strand). VCF-style: chr16-3592721-C-G. GRCh37 (hg19) VCF-style: chr16-3642722-C-G.
Other names: c.2305G>C (LRG_503t1); short protein forms E769Q.
Identifiers: ClinVar variation 407899 (VCV000407899.31), dbSNP rs150712805, ClinGen allele CA7866204.

ClinVar aggregate classification (germline): Conflicting classifications of pathogenicity. Review status: criteria provided, conflicting classifications (1 of 4 stars). 15 submissions from 15 submitters: Uncertain significance (9); Benign (1); Likely benign (2). 3 of the submissions do not count toward it. Last evaluated 2026-01-28.

Conditions:
SLX4-related disorder. Also called: SLX4-related condition.
Fanconi anemia complementation group P. Also called: SLX4-Related Fanconi Anemia. Identifiers: Orphanet 84, MedGen C3469542, MONDO:0013499, OMIM 613951.
Fanconi anemia (FA). Also called: Fanconi's anemia. Identifiers: Orphanet 84, MedGen C0015625, MeSH D005199, MONDO:0019391.

Allele frequency attached by ClinVar (database versions not stated): 1000 Genomes Project 30x 0.00031; 1000 Genomes Project 0.00040; ExAC 0.00098; gnomAD exomes 0.00100 and 0.00184; gnomAD 0.00116 and 0.00119; TOPMed 0.00130; ESP Exome Variant Server 0.00146.
gnomAD v4.1: 2,859 of 1,613,316 alleles (0.18%); highest among the groups gnomAD compares: Non-Finnish European, 0.22%; 3 homozygotes.

Submissions (18):

Dasa
Classification: Likely benign. Last evaluated: 2026-01-28. Review status: criteria provided, single submitter. Criteria: DASA Assertion Criteria. Collection method: clinical testing. Allele origin: germline.
Comment: NM_032444.4(SLX4):c.2305G>C (p.Glu769Gln) is a missense variant that results in the substitution of glutamic acid with glutamine. Population frequency is inconsistent with a disease-causing role for this variant, and observations in unaffected individuals support a benign interpretation. Therefore, based on the currently available evidence, this variant is classified as likely benign.

ARUP Laboratories, Molecular Genetics and Genomics, ARUP Laboratories
Classification: Likely benign for Fanconi anemia complementation group P. Last evaluated: 2025-04-16. Review status: criteria provided, single submitter. Criteria: ARUP Molecular Germline Variant Investigation Process 2024. Collection method: clinical testing. Allele origin: germline.

Blueprint Genetics
Classification: Benign. Last evaluated: 2024-11-05. Review status: criteria provided, single submitter. Criteria: ACMG Guidelines, 2015. Collection method: clinical testing. Allele origin: germline.

Labcorp Genetics (formerly Invitae), Labcorp
Classification: Uncertain significance for Fanconi anemia. Last evaluated: 2022-10-31. Review status: criteria provided, single submitter. Criteria: Invitae Variant Classification Sherloc (09022015). Collection method: clinical testing. Allele origin: germline.
Comment: This sequence change replaces glutamic acid, which is acidic and polar, with glutamine, which is neutral and polar, at codon 769 of the SLX4 protein (p.Glu769Gln). This variant is present in population databases (rs150712805, gnomAD 0.2%), including at least one homozygous and/or hemizygous individual. This missense change has been observed in individual(s) with breast cancer or head and neck carcinoma (PMID: 23211700, 23840564, 28678401). ClinVar contains an entry for this variant (Variation ID: 407899). Algorithms developed to predict the effect of missense changes on protein structure and function are either unavailable or do not agree on the potential impact of this missense change (SIFT: "Tolerated"; PolyPhen-2: "Possibly Damaging"; Align-GVGD: "Class C0"). In summary, the available evidence is currently insufficient to determine the role of this variant in disease. Therefore, it has been classified as a Variant of Uncertain Significance.

Fulgent Genetics
Classification: Uncertain significance for Fanconi anemia complementation group P. Last evaluated: 2022-05-04. Review status: criteria provided, single submitter. Criteria: ACMG Guidelines, 2015. Collection method: clinical testing. Allele origin: unknown.

GeneDx
Classification: Uncertain significance. Last evaluated: 2022-03-03. Review status: criteria provided, single submitter. Criteria: GeneDx Variant Classification Process June 2021. Collection method: clinical testing. Allele origin: germline. Affected: yes.
Comment: In silico analysis supports that this missense variant does not alter protein structure/function; Observed in individuals with breast cancer in published literature (Shah 2013); This variant is associated with the following publications: (PMID: 19596235, 23840564)

Genetic Services Laboratory, University of Chicago
Classification: Uncertain significance. Last evaluated: 2021-11-22. Review status: criteria provided, single submitter. Criteria: ACMG Guidelines, 2015. Collection method: clinical testing. Allele origin: germline. Affected: no.
Comment: This sequence change has been reported in familial breast cancer cases(PMID: 23840564). This sequence change has been described in the gnomAD database with a frequency of 0.16% in the non-Finnish subpopulation (dbSNP rs150712805). The p.Glu769Gln change affects a poorly conserved amino acid residue located in a domain of the SLX4 protein that is known to be functional. The p.Glu769Gln substitution appears to be benign using several in-silico pathogenicity prediction tools (SIFT, PolyPhen2, Align GVGD, REVEL). Due to insufficient evidence and the lack of functional studies, the clinical significance of the p.Glu769Gln change remains unknown at this time.

Institute for Clinical Genetics, University Hospital TU Dresden, University Hospital TU Dresden
Classification: Uncertain significance. Last evaluated: 2021-11-03. Review status: criteria provided, single submitter. Criteria: ACMG Guidelines, 2015. Collection method: clinical testing. Allele origin: germline.

Sema4
Classification: Uncertain significance for Fanconi anemia. Last evaluated: 2021-09-03. Review status: criteria provided, single submitter. Criteria: Sema4 Curation Guidelines. Collection method: curation. Allele origin: germline.
Comment: The SLX4 c.2305G>C (p.E769Q) variant has been reported in individuals with head and neck carcinoma, breast cancer, and ovarian cancer. However, it was also observed in controls (PMID: 28678401, 23840564, 23211700, 32546565, 29641532). It was observed in 211/128374 chromosomes, with one homozygote, in the Non-Finnish European subpopulation in the large and broad cohorts of the Genome Aggregation Database (PMID: 32461654). The variant has been reported in ClinVar (Variation ID 407899). In silico tools suggest the impact of the variant on protein function is neutral though these predictions have not been confirmed by functional studies. The evidence is insufficient to meet ACMG/AMP criteria for classifying the variant as benign or pathogenic. Thus, the clinical significance of this variant is currently uncertain.

Baylor Genetics
Classification: Uncertain significance for Fanconi anemia complementation group P. Last evaluated: 2020-12-04. Review status: criteria provided, single submitter. Criteria: ACMG Guidelines, 2015. Collection method: clinical testing. Allele origin: unknown. Affected: yes. Study: CSER-TexasKidsCanSeq.
Comment: This variant was determined to be of uncertain significance according to ACMG Guidelines, 2015 [PMID:25741868].

Revvity Omics, Revvity
Classification: Uncertain significance for Fanconi anemia complementation group P. Last evaluated: 2019-10-14. Review status: criteria provided, single submitter. Criteria: ACMG Guidelines, 2015. Collection method: clinical testing. Allele origin: germline.

Illumina Laboratory Services, Illumina
Classification: Uncertain significance for Fanconi anemia complementation group P. Last evaluated: 2017-04-27. Review status: criteria provided, single submitter. Criteria: ICSL Variant Classification Criteria 13 December 2019. Collection method: clinical testing. Allele origin: germline.

PreventionGenetics, part of Exact Sciences
Classification: Likely benign for SLX4-related condition. Last evaluated: 2022-04-22. Review status: no assertion criteria provided. Collection method: clinical testing. Allele origin: germline. Not counted in ClinVar's aggregate classification.
Comment: This variant is classified as likely benign based on ACMG/AMP sequence variant interpretation guidelines (Richards et al. 2015 PMID: 25741868, with internal and published modifications).

Clinical Genetics DNA and cytogenetics Diagnostics Lab, Erasmus MC, Erasmus Medical Center
Classification: Likely benign. Review status: no assertion criteria provided. Collection method: clinical testing. Allele origin: germline. Affected: yes. Study: VKGL Data-share Consensus. Not counted in ClinVar's aggregate classification.

Dr. Peter K. Rogan Lab, Western University
No classification provided (evidence only). Condition: Lung cancer. Review status: no classification provided. Collection method: in vitro. Allele origin: not applicable. Functional consequence: retained intron. Not counted in ClinVar's aggregate classification.

Dr. Peter K. Rogan Lab, Western University
No classification provided (evidence only). Condition: Gastric cancer. Review status: no classification provided. Collection method: in vitro. Allele origin: not applicable. Functional consequence: retained intron. Not counted in ClinVar's aggregate classification.

Dr. Peter K. Rogan Lab, Western University
No classification provided (evidence only). Condition: Adrenocortical carcinoma, hereditary. Review status: no classification provided. Collection method: in vitro. Allele origin: not applicable. Functional consequence: retained intron. Not counted in ClinVar's aggregate classification.

Genome Diagnostics Laboratory, University Medical Center Utrecht
Classification: Likely benign. Review status: no assertion criteria provided. Collection method: clinical testing. Allele origin: germline. Affected: yes. Study: VKGL Data-share Consensus. Not counted in ClinVar's aggregate classification.

Literature cited by the submitters: PubMed 23211700 (cited by Labcorp Genetics (formerly Invitae), Labcorp and Sema4); PubMed 23840564 (cited by Labcorp Genetics (formerly Invitae), Labcorp and Sema4); PubMed 28678401 (cited by Labcorp Genetics (formerly Invitae), Labcorp and Sema4); PubMed 32546565 (cited by Sema4); PubMed 29641532 (cited by Sema4).